The following is an entry in ClinVar:

NM_002691.4(POLD1):c.2927A>T (p.Glu976Val)

Gene: POLD1 (DNA polymerase delta 1, catalytic subunit; plus strand). Cytogenetic location: 19q13.33.
Variant type: single nucleotide variant.
Coding change: c.2927A>T on transcript NM_002691.4 (MANE Select); coding-DNA position 2927, A replaced by T.
Protein change: p.Glu976Val; replaces glutamic acid 976 with valine.
Molecular consequence: missense variant. On other transcripts: non-coding transcript variant (1).
Genome position (GRCh38, 1-based): chr19:50,416,502, A>T. VCF-style: chr19-50416502-A-T. GRCh37 (hg19) VCF-style: chr19-50919759-A-T.
Other names: c.2927A>T, p.Glu976Val (NM_001256849.1); c.3005A>T, p.Glu1002Val (NM_001308632.1); short protein forms E1002V, E976V.
Identifiers: ClinVar variation 469309 (VCV000469309.11), dbSNP rs1431752851, ClinGen allele CA406986620.

ClinVar aggregate classification (germline): Uncertain significance. Review status: criteria provided, multiple submitters, no conflicts (2 of 4 stars). 2 submissions from 2 submitters: Uncertain significance (2). Last evaluated 2025-08-25.

Conditions:
POLD1-related polyposis and colorectal cancer syndrome (CRCS10). Also called: Colorectal cancer 10; COLORECTAL CANCER, SUSCEPTIBILITY TO, ON CHROMOSOME 19q; Colorectal cancer, susceptibility to, 10. Identifiers: Orphanet 220460, MedGen C2675481, MONDO:0012953, OMIM 612591.
Hereditary cancer-predisposing syndrome. Also called: Neoplastic Syndromes, Hereditary; Hereditary neoplastic syndrome; Tumor predisposition; Hereditary Cancer Syndrome. Identifiers: Orphanet 140162, MedGen C0027672, MeSH D009386, MONDO:0015356.

Allele frequency attached by ClinVar (database versions not stated): gnomAD 0.00001; gnomAD exomes 0.00001 and 0.00002.
gnomAD v4.1: 21 of 1,552,422 alleles (0.0014%); highest among the groups gnomAD compares: Non-Finnish European, 0.0017%; no homozygotes.

Submissions (2):

Labcorp Genetics (formerly Invitae), Labcorp
Classification: Uncertain significance for POLD1-related polyposis and colorectal cancer syndrome. Last evaluated: 2025-08-25. Review status: criteria provided, single submitter. Criteria: Invitae Variant Classification Sherloc (09022015). Collection method: clinical testing. Allele origin: germline.
Comment: This sequence change replaces glutamic acid, which is acidic and polar, with valine, which is neutral and non-polar, at codon 976 of the POLD1 protein (p.Glu976Val). This variant is present in population databases (no rsID available, gnomAD 0.005%). This variant has not been reported in the literature in individuals affected with POLD1-related conditions. ClinVar contains an entry for this variant (Variation ID: 469309). Invitae Evidence Modeling of protein sequence and biophysical properties (such as structural, functional, and spatial information, amino acid conservation, physicochemical variation, residue mobility, and thermodynamic stability) indicates that this missense variant is not expected to disrupt POLD1 protein function with a negative predictive value of 80%. In summary, the available evidence is currently insufficient to determine the role of this variant in disease. Therefore, it has been classified as a Variant of Uncertain Significance.

Ambry Genetics
Classification: Uncertain significance for Hereditary cancer-predisposing syndrome. Last evaluated: 2024-07-13. Review status: criteria provided, single submitter. Criteria: Ambry Variant Classification Scheme 2023. Collection method: clinical testing. Allele origin: germline.
Comment: The p.E976V variant (also known as c.2927A>T), located in coding exon 22 of the POLD1 gene, results from an A to T substitution at nucleotide position 2927. The glutamic acid at codon 976 is replaced by valine, an amino acid with dissimilar properties. This amino acid position is conserved. In addition, this alteration is predicted to be tolerated by in silico analysis. Since supporting evidence is limited at this time, the clinical significance of this alteration remains unclear.